The following is an entry in ClinVar:

NM_007294.4(BRCA1):c.3845A>G (p.Glu1282Gly)

Genes: BRCA1 (BRCA1 DNA repair associated; minus strand), LOC126862571 (BRD4-independent group 4 enhancer GRCh37_chr17:41243136-41244335; plus strand). Cytogenetic location: 17q21.31.
Variant type: single nucleotide variant.
Coding change: c.3845A>G on transcript NM_007294.4 (MANE Select); coding-DNA position 3845, A replaced by G.
Protein change: p.Glu1282Gly; replaces glutamic acid 1282 with glycine.
Molecular consequence: missense variant. On other transcripts: intron variant (135).
Genome position (GRCh38, 1-based): chr17:43,091,686, T>C on the plus strand (A>G on the coding strand, the complement: BRCA1 is on the minus strand). VCF-style: chr17-43091686-T-C. GRCh37 (hg19) VCF-style: chr17-41243703-T-C.
Other names: c.3632A>G, p.Glu1211Gly (NM_001407571.1, NM_001407853.1, NM_001407894.1 and 9 more transcripts); c.3845A>G, p.Glu1282Gly (NM_001407581.1, NM_001407582.1, NM_001407583.1 and 30 more transcripts); c.3842A>G, p.Glu1281Gly (NM_001407587.1, NM_001407590.1, NM_001407591.1 and 22 more transcripts); c.3836A>G, p.Glu1279Gly (NM_001407646.1, NM_001407647.1); c.3722A>G, p.Glu1241Gly (NM_001407648.1, NM_001407664.1, NM_001407665.1 and 19 more transcripts); c.3719A>G, p.Glu1240Gly (NM_001407649.1, NM_001407670.1, NM_001407671.1 and 11 more transcripts); c.3767A>G, p.Glu1256Gly (NM_001407653.1, NM_001407654.1, NM_001407655.1 and 4 more transcripts); c.3764A>G, p.Glu1255Gly (NM_001407659.1, NM_001407660.1, NM_001407661.1 and 1 more transcripts); and 41 more; short protein forms E1235G, E1282G, E1154G, E1193G, E1211G, E1214G, E1240G, E1279G.
Identifiers: ClinVar variation 1380496 (VCV001380496.12), dbSNP rs80357217, ClinGen allele CA10594275.

ClinVar aggregate classification (germline): Conflicting classifications of pathogenicity. Review status: criteria provided, conflicting classifications (1 of 4 stars). 5 submissions from 5 submitters: Uncertain significance (4); Likely benign (1). Last evaluated 2025-02-19.

Conditions:
Hereditary breast ovarian cancer syndrome. Also called: Hereditary breast and ovarian cancer; Hereditary breast and/or ovarian cancer syndrome; Breast and ovarian cancer; BRCA1- and BRCA2-Associated Hereditary Breast and Ovarian Cancer; Hereditary breast and ovarian cancer syndrome (HBOC); Hereditary breast and ovarian cancer syndrome. Identifiers: Orphanet 145, MedGen C0677776, MeSH D061325, MONDO:0003582. Disease mechanism: loss of function.
Hereditary cancer-predisposing syndrome. Also called: Tumor predisposition; Hereditary Cancer Syndrome; Hereditary neoplastic syndrome; Neoplastic Syndromes, Hereditary. Identifiers: Orphanet 140162, MedGen C0027672, MeSH D009386, MONDO:0015356.
Breast-ovarian cancer, familial, susceptibility to, 1 (BROVCA1). Also called: OVARIAN CANCER, SUSCEPTIBILITY TO; BRCA1 Hereditary Breast and Ovarian Cancer. Identifiers: Orphanet 145, MedGen C2676676, MONDO:0011450, OMIM 604370. Disease mechanism: loss of function.

Submissions (5):

Ambry Genetics
Classification: Uncertain significance for Hereditary cancer-predisposing syndrome. Last evaluated: 2025-02-19. Review status: criteria provided, single submitter. Criteria: Ambry Variant Classification Scheme 2023. Collection method: clinical testing. Allele origin: germline.
Comment: The p.E1282G variant (also known as c.3845A>G), located in coding exon 9 of the BRCA1 gene, results from an A to G substitution at nucleotide position 3845. The glutamic acid at codon 1282 is replaced by glycine, an amino acid with similar properties. This amino acid position is not well conserved in available vertebrate species. In addition, the in silico prediction for this alteration is inconclusive. Based on the available evidence, the clinical significance of this variant remains unclear.

Labcorp Genetics (formerly Invitae), Labcorp
Classification: Uncertain significance for Hereditary breast ovarian cancer syndrome. Last evaluated: 2024-09-30. Review status: criteria provided, single submitter. Criteria: Invitae Variant Classification Sherloc (09022015). Collection method: clinical testing. Allele origin: germline.
Comment: This sequence change replaces glutamic acid, which is acidic and polar, with glycine, which is neutral and non-polar, at codon 1282 of the BRCA1 protein (p.Glu1282Gly). This variant is not present in population databases (gnomAD no frequency). This variant has not been reported in the literature in individuals affected with BRCA1-related conditions. ClinVar contains an entry for this variant (Variation ID: 1380496). Invitae Evidence Modeling of protein sequence and biophysical properties (such as structural, functional, and spatial information, amino acid conservation, physicochemical variation, residue mobility, and thermodynamic stability) indicates that this missense variant is not expected to disrupt BRCA1 protein function with a negative predictive value of 95%. In summary, the available evidence is currently insufficient to determine the role of this variant in disease. Therefore, it has been classified as a Variant of Uncertain Significance.

GeneDx
Classification: Uncertain significance. Last evaluated: 2024-04-25. Review status: criteria provided, single submitter. Criteria: GeneDx Variant Classification Process June 2021. Collection method: clinical testing. Allele origin: germline. Affected: yes.
Comment: Not observed at significant frequency in large population cohorts (gnomAD); In silico analysis indicates that this missense variant does not alter protein structure/function; Has not been previously published as pathogenic or benign to our knowledge; Also known as 3964A>G; This variant is associated with the following publications: (PMID: 15343273, 22737296, 29884841, 32377563)

All of Us Research Program, National Institutes of Health
Classification: Uncertain significance for Breast-ovarian cancer, familial, susceptibility to, 1. Last evaluated: 2023-12-01. Review status: criteria provided, single submitter. Criteria: ACMG Guidelines, 2015. Collection method: clinical testing. Allele origin: germline. Inheritance: Autosomal dominant inheritance. Observed: 2 variant alleles, 2 heterozygotes.
Comment: This missense variant replaces glutamic acid with glycine at codon 1282 of the BRCA1 protein. Computational prediction suggests that this variant may not impact protein structure and function (internally defined REVEL score threshold <= 0.5, PMID: 27666373). To our knowledge, functional studies have not been reported for this variant. This variant has not been reported in individuals affected with BRCA1-related disorders in the literature. This variant has not been identified in the general population by the Genome Aggregation Database (gnomAD). The available evidence is insufficient to determine the role of this variant in disease conclusively. Therefore, this variant is classified as a Variant of Uncertain Significance.

This study involves interpretation of variants in research participants for the purpose of population health screening. Participant phenotype was not available at the time of variant classification. Additional details can be found in publication PMID: 35346344, PMCID: PMC8962531

University of Washington Department of Laboratory Medicine, University of Washington
Classification: Likely benign for Hereditary cancer-predisposing syndrome. Last evaluated: 2023-03-23. Review status: criteria provided, single submitter. Criteria: Dines et al. (Genet Med. 2020). Collection method: curation. Allele origin: germline.
Comment: Missense variant in a coldspot region where missense variants are very unlikely to be pathogenic (PMID:31911673).

BRCA1 coldspot (exon 11 using historical exon numbering). Reclassification based on statistical prior probability